The following is an entry in ClinVar:

NM_004595.5(SMS):c.194C>T (p.Pro65Leu)

Gene: SMS (spermine synthase; plus strand). Cytogenetic location: Xp22.11.
Variant type: single nucleotide variant.
Coding change: c.194C>T on transcript NM_004595.5 (MANE Select); coding-DNA position 194, C replaced by T.
Protein change: p.Pro65Leu; replaces proline 65 with leucine.
Molecular consequence: missense variant. On other transcripts: intron variant (1).
Genome position (GRCh38, 1-based): chrX:21,971,920, C>T. VCF-style: chrX-21971920-C-T. GRCh37 (hg19) VCF-style: chrX-21990038-C-T.
Other names: c.170+4604C>T (NM_001258423.2); short protein forms P65L.
Identifiers: ClinVar variation 4539877 (VCV004539877.1).

ClinVar aggregate classification (germline): Uncertain significance (1 of 4 stars; one submission).

Submission:

GeneDx
Classification: Uncertain significance. Last evaluated: 2025-06-25. Review status: criteria provided, single submitter. Criteria: GeneDx Variant Classification Process June 2021. Collection method: clinical testing. Allele origin: germline. Affected: yes.
Comment: Not observed at significant frequency in large population cohorts (gnomAD); In silico analysis supports that this missense variant has a deleterious effect on protein structure/function; Has not been previously published as pathogenic or benign to our knowledge